The following is an entry in ClinVar:

NM_000709.4(BCKDHA):c.116C>A (p.Pro39His)

Gene: BCKDHA (branched chain keto acid dehydrogenase E1 subunit alpha; plus strand). Cytogenetic location: 19q13.2.
Variant type: single nucleotide variant.
Coding change: c.116C>A on transcript NM_000709.4 (MANE Select); coding-DNA position 116, C replaced by A.
Protein change: p.Pro39His; replaces proline 39 with histidine.
Molecular consequence: missense variant.
Genome position (GRCh38, 1-based): chr19:41,410,644, C>A. VCF-style: chr19-41410644-C-A. GRCh37 (hg19) VCF-style: chr19-41916549-C-A.
Other names: c.116C>A, p.Pro39His (NM_001164783.2); short protein forms P39H.
Identifiers: ClinVar variation 93341 (VCV000093341.25), dbSNP rs11549936, ClinGen allele CA285346.

ClinVar aggregate classification (germline): Benign/Likely benign. Review status: criteria provided, multiple submitters, no conflicts (2 of 4 stars). 10 submissions from 10 submitters: Benign (6); Likely benign (2). 2 of the submissions do not count toward it. Last evaluated 2026-02-04.

Conditions:
Maple syrup urine disease type 1A (MSUD1A). Also called: MSUD type 1A. Identifiers: MedGen C1855369, MONDO:0023691, OMIM 248600.
Maple syrup urine disease (MSUD). Identifiers: Orphanet 511, MedGen C0024776, MeSH D008375, MONDO:0009563. Disease mechanism: loss of function.

Allele frequency attached by ClinVar (database versions not stated): 1000 Genomes Project 0.05531; gnomAD 0.07892; 1000 Genomes Project 30x 0.05528; ESP Exome Variant Server 0.09803; TOPMed 0.08739.
gnomAD v4.1: 196,788 of 1,614,072 alleles (12%); highest among the groups gnomAD compares: Non-Finnish European, 14%; 13,304 homozygotes.

Submissions (10):

Labcorp Genetics (formerly Invitae), Labcorp
Classification: Benign for Maple syrup urine disease. Last evaluated: 2026-02-04. Review status: criteria provided, single submitter. Criteria: Invitae Variant Classification Sherloc (09022015). Collection method: clinical testing. Allele origin: germline.

Genome-Nilou Lab
Classification: Benign for Maple syrup urine disease type 1A. Last evaluated: 2021-06-10. Review status: criteria provided, single submitter. Criteria: ACMG Guidelines, 2015. Collection method: clinical testing. Allele origin: germline. Affected: no.

Mayo Clinic Laboratories, Mayo Clinic
Classification: Benign. Last evaluated: 2021-04-07. Review status: criteria provided, single submitter. Criteria: ACMG Guidelines, 2015. Collection method: clinical testing. Allele origin: germline. Observed: 6 variant alleles.

Illumina Laboratory Services, Illumina
Classification: Likely benign for Maple syrup urine disease type 1A. Last evaluated: 2017-04-27. Review status: criteria provided, single submitter. Criteria: ICSL Variant Classification Criteria 13 December 2019. Collection method: clinical testing. Allele origin: germline.
Comment: This variant was observed as part of a predisposition screen in an ostensibly healthy population. A literature search was performed for the gene, cDNA change, and amino acid change (where applicable). No publications were found based on this search. Allele frequency data from public databases allowed determination this variant is unlikely to cause disease. Therefore, this variant is classified as likely benign.

Women's Health and Genetics/Laboratory Corporation of America, LabCorp
Classification: Benign. Last evaluated: 2017-02-08. Review status: criteria provided, single submitter. Criteria: LabCorp Variant Classification Summary - May 2015. Collection method: clinical testing. Allele origin: germline.
Comment: Variant summary: The BCKDHA c.116C>A (p.Pro39His) variant involves the alteration of a non-conserved nucleotide. 3/4 in silico tools predict a benign outcome for this variant (SNPs&GO not captured due to low reliability index). This variant was found in 11936/121154 control chromosomes (711 homozygotes) at a frequency of 0.0985192, which is approximately 59 times the estimated maximal expected allele frequency of a pathogenic BCKDHA variant (0.0016771), suggesting this variant is likely a benign polymorphism. This variant has been reported in multiple affected individuals who also carried other variants in BCKDHB that can explain the phenotype, and authors interpreted the variant of interest as silent variant. In addition, multiple clinical diagnostic laboratories/reputable databases classified this variant as benign. Taken together, this variant is classified as benign.

Eurofins Ntd Llc (ga)
Classification: Benign. Last evaluated: 2013-08-17. Review status: criteria provided, single submitter. Criteria: EGL Classification Definitions 2015. Collection method: clinical testing. Allele origin: germline. Observed: 31 variant alleles, 27 heterozygotes, 4 homozygotes.

Breakthrough Genomics
Classification: Likely benign. Review status: criteria provided, single submitter. Criteria: ACMG Guidelines, 2015. Collection method: not provided. Allele origin: germline. Inheritance: Autosomal recessive inheritance. Affected: yes.

PreventionGenetics, part of Exact Sciences
Classification: Benign. Review status: criteria provided, single submitter. Criteria: ACMG Guidelines, 2015. Collection method: clinical testing. Allele origin: germline.

Natera, Inc.
Classification: Benign for Maple syrup urine disease type 1A. Last evaluated: 2020-09-16. Review status: no assertion criteria provided. Collection method: clinical testing. Allele origin: germline. Not counted in ClinVar's aggregate classification.

Genetic Services Laboratory, University of Chicago
Classification: Likely benign for AllHighlyPenetrant. Review status: no assertion criteria provided. Collection method: clinical testing. Allele origin: germline. Inheritance: Autosomal recessive inheritance. Not counted in ClinVar's aggregate classification.
Comment: Likely benign based on allele frequency in 1000 Genomes Project or ESP global frequency and its presence in a patient with a rare or unrelated disease phenotype. NOT Sanger confirmed.

Literature cited by the submitters: PubMed 16786533 (cited by Women's Health and Genetics/Laboratory Corporation of America, LabCorp); PubMed 14517957 (cited by Women's Health and Genetics/Laboratory Corporation of America, LabCorp); PubMed 17922217 (cited by Women's Health and Genetics/Laboratory Corporation of America, LabCorp).